The following is an entry in ClinVar:

ClinVar aggregate classification (germline): Uncertain significance (1 of 4 stars; one submission).

Submission:

Labcorp Genetics (formerly Invitae), Labcorp
Classification: Uncertain significance. Last evaluated: 2025-09-22. Review status: criteria provided, single submitter. Criteria: Invitae Variant Classification Sherloc (09022015). Collection method: clinical testing. Allele origin: germline.
Comment: This sequence change replaces lysine, which is basic and polar, with glutamic acid, which is acidic and polar, at codon 835 of the ABL1 protein (p.Lys835Glu). This variant is not present in population databases (gnomAD no frequency). This variant has not been reported in the literature in individuals affected with ABL1-related conditions. This variant is also known as K816E. Invitae Evidence Modeling of protein sequence and biophysical properties (such as structural, functional, and spatial information, amino acid conservation, physicochemical variation, residue mobility, and thermodynamic stability) indicates that this missense variant is not expected to disrupt ABL1 protein function with a negative predictive value of 95%. Experimental studies are conflicting or provide insufficient evidence to determine the effect of this variant on ABL1 function (PMID: 27890928). In summary, the available evidence is currently insufficient to determine the role of this variant in disease. Therefore, it has been classified as a Variant of Uncertain Significance.

Literature cited by the submitters: PubMed 27890928.

NM_005157.6(ABL1):c.2446A>G (p.Lys816Glu)

Gene: ABL1 (ABL proto-oncogene 1, non-receptor tyrosine kinase; plus strand). Cytogenetic location: 9q34.12.
Variant type: single nucleotide variant.
Coding change: c.2446A>G on transcript NM_005157.6 (MANE Select); coding-DNA position 2446, A replaced by G.
Protein change: p.Lys816Glu; replaces lysine 816 with glutamic acid.
Molecular consequence: missense variant.
Genome position (GRCh38, 1-based): chr9:130,884,736, A>G. VCF-style: chr9-130884736-A-G. GRCh37 (hg19) VCF-style: chr9-133760123-A-G.
Other names: c.2503A>G, p.Lys835Glu (NM_007313.3); short protein forms K816E, K835E.
Identifiers: ClinVar variation 4765788 (VCV004765788.1).